The following is an entry in ClinVar:

NM_001174089.2(SLC4A11):c.346G>A (p.Gly116Ser)

Gene: SLC4A11 (solute carrier family 4 member 11; minus strand). Cytogenetic location: 20p13.
Variant type: single nucleotide variant.
Coding change: c.346G>A on transcript NM_001174089.2 (MANE Select); coding-DNA position 346, G replaced by A.
Protein change: p.Gly116Ser; replaces glycine 116 with serine.
Molecular consequence: missense variant. On other transcripts: non-coding transcript variant (3).
Genome position (GRCh38, 1-based): chr20:3,234,260, C>T on the plus strand (G>A on the coding strand, the complement: SLC4A11 is on the minus strand). VCF-style: chr20-3234260-C-T. GRCh37 (hg19) VCF-style: chr20-3214906-C-T.
Other names: c.475G>A, p.Gly159Ser (NM_001174090.2, NM_001400280.1); c.346G>A, p.Gly116Ser (NM_001363745.2); c.289G>A, p.Gly97Ser (NM_001400277.1, NM_001400278.1, NM_001400279.1); c.394G>A, p.Gly132Ser (NM_032034.4); c.394G>A (NM_032034.3); short protein forms G116S, G132S, G159S, G97S.
Identifiers: ClinVar variation 2652173 (VCV002652173.24), dbSNP rs201619917, ClinGen allele CA9742323.

ClinVar aggregate classification (germline): Conflicting classifications of pathogenicity. Review status: criteria provided, conflicting classifications (1 of 4 stars). 2 submissions from 2 submitters: Uncertain significance (1); Likely benign (1). Last evaluated 2025-05-04.

Conditions:
Inborn genetic diseases. Identifiers: MedGen C0950123, MeSH D030342.

Allele frequency attached by ClinVar (database versions not stated): gnomAD exomes 0.00005; TOPMed 0.00006; gnomAD 0.00009; ExAC 0.00012; 1000 Genomes Project 30x 0.00047; 1000 Genomes Project 0.00060.
gnomAD v4.1: 81 of 1,614,076 alleles (0.005%); highest among the groups gnomAD compares: East Asian, 0.11%; no homozygotes.

Submissions (2):

Ambry Genetics
Classification: Uncertain significance for Inborn genetic diseases. Last evaluated: 2025-05-04. Review status: criteria provided, single submitter. Criteria: Ambry Variant Classification Scheme 2023. Collection method: clinical testing. Allele origin: germline.

CeGaT Center for Human Genetics Tuebingen
Classification: Likely benign. Last evaluated: 2023-02-01. Review status: criteria provided, single submitter. Criteria: CeGaT Center For Human Genetics Tuebingen Variant Classification Criteria Version 2. Collection method: clinical testing. Allele origin: germline. Affected: yes. Observed: 1 variant allele.
Comment: SLC4A11: BP4